The following is an entry in ClinVar:

ClinVar aggregate classification (germline): Uncertain significance. Review status: criteria provided, multiple submitters, no conflicts (2 of 4 stars). 3 submissions from 3 submitters: Uncertain significance (3). Last evaluated 2025-03-24.

Conditions:
Cardiovascular phenotype. Identifiers: MedGen CN230736.
Dilated cardiomyopathy 1JJ (CMD1JJ). Identifiers: Orphanet 154, MedGen C3808935, MONDO:0014095, OMIM 615235.

Submissions (3):

GeneDx
Classification: Uncertain significance. Last evaluated: 2025-03-24. Review status: criteria provided, single submitter. Criteria: GeneDx Variant Classification Process June 2021. Collection method: clinical testing. Allele origin: germline. Affected: yes.
Comment: Not observed at significant frequency in large population cohorts (gnomAD); In silico analysis supports that this missense variant has a deleterious effect on protein structure/function; Has not been previously published as pathogenic or benign to our knowledge

Ambry Genetics
Classification: Uncertain significance for Cardiovascular phenotype. Last evaluated: 2024-12-17. Review status: criteria provided, single submitter. Criteria: Ambry Variant Classification Scheme 2023. Collection method: clinical testing. Allele origin: germline.
Comment: The p.V270F variant (also known as c.808G>T), located in coding exon 7 of the LAMA4 gene, results from a G to T substitution at nucleotide position 808. The valine at codon 270 is replaced by phenylalanine, an amino acid with highly similar properties. This amino acid position is conserved. In addition, this alteration is predicted to be tolerated by in silico analysis. Since supporting evidence is limited at this time, the clinical significance of this alteration remains unclear.

Labcorp Genetics (formerly Invitae), Labcorp
Classification: Uncertain significance for Dilated cardiomyopathy 1JJ. Last evaluated: 2021-09-01. Review status: criteria provided, single submitter. Criteria: Invitae Variant Classification Sherloc (09022015). Collection method: clinical testing. Allele origin: germline.

NM_001105206.3(LAMA4):c.829G>T (p.Val277Phe)

Gene: LAMA4 (laminin subunit alpha 4; minus strand). Cytogenetic location: 6q21.
Variant type: single nucleotide variant.
Coding change: c.829G>T on transcript NM_001105206.3 (MANE Select); coding-DNA position 829, G replaced by T.
Protein change: p.Val277Phe; replaces valine 277 with phenylalanine.
Molecular consequence: missense variant.
Genome position (GRCh38, 1-based): chr6:112,187,587, C>A on the plus strand (G>T on the coding strand, the complement: LAMA4 is on the minus strand). VCF-style: chr6-112187587-C-A. GRCh37 (hg19) VCF-style: chr6-112508789-C-A.
Other names: c.808G>T, p.Val270Phe (NM_001105207.3, NM_002290.5); short protein forms V277F, V270F.
Identifiers: ClinVar variation 860249 (VCV000860249.9), dbSNP rs146225813, ClinGen allele CA365376307.